The following is an entry in ClinVar:

NM_001903.5(CTNNA1):c.2368C>T (p.Leu790=)

Gene: CTNNA1 (catenin alpha 1; plus strand). Cytogenetic location: 5q31.2.
Variant type: single nucleotide variant.
Coding change: c.2368C>T on transcript NM_001903.5 (MANE Select); coding-DNA position 2368, C replaced by T.
Protein change: p.Leu790=; no amino-acid change (leucine 790 retained).
Molecular consequence: synonymous variant. On other transcripts: intron variant (1).
Genome position (GRCh38, 1-based): chr5:138,932,647, C>T. VCF-style: chr5-138932647-C-T. GRCh37 (hg19) VCF-style: chr5-138268336-C-T.
Other names: c.2368C>T, p.Leu790= (NM_001290307.3, NM_001323982.2, NM_001323983.1 and 2 more transcripts); c.2059C>T, p.Leu687= (NM_001290309.3); c.1999C>T, p.Leu667= (NM_001290310.3); c.1258C>T, p.Leu420= (NM_001290312.1, NM_001323987.1, NM_001323988.1 and 16 more transcripts); c.2275C>T, p.Leu759= (NM_001323986.2); c.919C>T, p.Leu307= (NM_001324006.1, NM_001324007.1, NM_001324008.1 and 2 more transcripts); c.1165C>T, p.Leu389= (NM_001324011.1); c.1015C>T, p.Leu339= (NM_001324012.1, NM_001324013.1); and 1 more.
Identifiers: ClinVar variation 705043 (VCV000705043.14), dbSNP rs1580930499, ClinGen allele CA446598209.

ClinVar aggregate classification (germline): Benign/Likely benign. Review status: criteria provided, multiple submitters, no conflicts (2 of 4 stars). 3 submissions from 3 submitters: Benign (1); Likely benign (2). Last evaluated 2025-12-15.

Conditions:
Hereditary cancer-predisposing syndrome. Also called: Tumor predisposition; Hereditary neoplastic syndrome; Neoplastic Syndromes, Hereditary; Hereditary Cancer Syndrome. Identifiers: Orphanet 140162, MedGen C0027672, MeSH D009386, MONDO:0015356.
Hereditary diffuse gastric adenocarcinoma (HDGC). Also called: DIFFUSE GASTRIC AND LOBULAR BREAST CANCER SYNDROME. Identifiers: Orphanet 26106, MedGen C1708349, MONDO:0007648, OMIM 137215.

Allele frequency attached by ClinVar (database versions not stated): gnomAD exomes 0.00001.
gnomAD v4.1: 5 of 1,614,220 alleles (0.00031%); highest among the groups gnomAD compares: Middle Eastern, 0.082%; 1 homozygote.

Submissions (3):

Labcorp Genetics (formerly Invitae), Labcorp
Classification: Likely benign. Last evaluated: 2025-12-15. Review status: criteria provided, single submitter. Criteria: Invitae Variant Classification Sherloc (09022015). Collection method: clinical testing. Allele origin: germline.

Myriad Genetics, Inc.
Classification: Benign for Hereditary diffuse gastric adenocarcinoma. Last evaluated: 2024-10-15. Review status: criteria provided, single submitter. Criteria: Myriad Autosomal Dominant, Autosomal Recessive and X-Linked Classification Criteria (2023). Collection method: clinical testing. Allele origin: unknown.
Comment: This variant is considered benign. This variant is a silent/synonymous amino acid change and it is not expected to impact splicing.

Ambry Genetics
Classification: Likely benign for Hereditary cancer-predisposing syndrome. Last evaluated: 2020-01-21. Review status: criteria provided, single submitter. Criteria: Ambry Variant Classification Scheme 2023. Collection method: clinical testing. Allele origin: germline.